The following is an entry in ClinVar:

ClinVar aggregate classification (germline): Benign/Likely benign. Review status: criteria provided, multiple submitters, no conflicts (2 of 4 stars). 4 submissions from 4 submitters: Benign (1); Likely benign (2). 1 of the submissions does not count toward it. Last evaluated 2025-09-24.

Conditions:
CYFIP2-related disorder. Also called: CYFIP2-related condition.

Allele frequency attached by ClinVar (database versions not stated): ESP Exome Variant Server 0.00008; TOPMed 0.00024; gnomAD 0.00025; ExAC 0.00026; gnomAD exomes 0.00042.
gnomAD v4.1: 370 of 1,611,592 alleles (0.023%); highest among the groups gnomAD compares: Admixed American, 0.012%; 1 homozygote.

Submissions (5):

Labcorp Genetics (formerly Invitae), Labcorp
Classification: Benign. Last evaluated: 2025-09-24. Review status: criteria provided, single submitter. Criteria: Invitae Variant Classification Sherloc (09022015). Collection method: clinical testing. Allele origin: germline.

CeGaT Center for Human Genetics Tuebingen
Classification: Likely benign. Last evaluated: 2025-06-01. Review status: criteria provided, single submitter. Criteria: CeGaT Center For Human Genetics Tuebingen Variant Classification Criteria Version 2. Collection method: clinical testing. Allele origin: germline. Affected: yes. Observed: 2 variant alleles.
Comment: CYFIP2: BP4, BP7

Blueprint Genetics
Classification: Likely benign. Last evaluated: 2024-10-14. Review status: criteria provided, single submitter. Criteria: ACMG Guidelines, 2015. Collection method: clinical testing. Allele origin: germline.

PreventionGenetics, part of Exact Sciences
Classification: Benign for CYFIP2-related condition. Last evaluated: 2019-05-31. Review status: no assertion criteria provided. Collection method: clinical testing. Allele origin: germline. Not counted in ClinVar's aggregate classification.
Comment: This variant is classified as benign based on ACMG/AMP sequence variant interpretation guidelines (Richards et al. 2015 PMID: 25741868, with internal and published modifications).

Dr. Peter K. Rogan Lab, Western University
No classification provided (evidence only). Condition: Malignant tumor of urinary bladder. Review status: no classification provided. Collection method: in vitro. Allele origin: not applicable. Functional consequence: retained intron. Not counted in ClinVar's aggregate classification.

NM_001037333.3(CYFIP2):c.3225C>T (p.Arg1075=)

Genes: CYFIP2 (cytoplasmic FMR1 interacting protein 2; plus strand), NIPAL4-DT (NIPAL4 divergent transcript; minus strand). Cytogenetic location: 5q33.3.
Variant type: single nucleotide variant.
Coding change: c.3225C>T on transcript NM_001037333.3 (MANE Select); coding-DNA position 3225, C replaced by T.
Protein change: p.Arg1075=; no amino-acid change (arginine 1075 retained).
Molecular consequence: synonymous variant.
Genome position (GRCh38, 1-based): chr5:157,389,206, C>T. VCF-style: chr5-157389206-C-T. GRCh37 (hg19) VCF-style: chr5-156816214-C-T.
Other names: c.3300C>T (NM_001291722.1); c.3147C>T, p.Arg1049= (NM_001291721.2); c.3300C>T, p.Arg1100= (NM_001291722.2); c.3225C>T, p.Arg1075= (NM_014376.4).
Identifiers: ClinVar variation 1599597 (VCV001599597.39), dbSNP rs369693364, ClinGen allele CA3534320.